The following is an entry in ClinVar:

ClinVar aggregate classification (germline): Conflicting classifications of pathogenicity. Review status: criteria provided, conflicting classifications (1 of 4 stars). 6 submissions from 6 submitters: Uncertain significance (2); Likely benign (4). Last evaluated 2026-01-09.

Conditions:
Autosomal recessive nonsyndromic hearing loss 48. Also called: Usher Syndrome Type 1J; Deafness, autosomal recessive 48. Identifiers: Orphanet 231169, Orphanet 886, Orphanet 90636, MedGen C1836199, MONDO:0012273, OMIM 609439.

Allele frequency attached by ClinVar (database versions not stated): TOPMed 0.00009; ESP Exome Variant Server 0.00023; gnomAD exomes 0.00028 and 0.00038; gnomAD 0.00029 and 0.00032; ExAC 0.00032.
gnomAD v4.1: 434 of 1,590,174 alleles (0.027%); highest among the groups gnomAD compares: Middle Eastern, 0.034%; no homozygotes.

Submissions (6):

GeneDx
Classification: Uncertain significance. Last evaluated: 2026-01-09. Review status: criteria provided, single submitter. Criteria: GeneDx Variant Classification Process June 2021. Collection method: clinical testing. Allele origin: germline. Affected: yes.
Comment: See Variant Classification Assertion Criteria.

Labcorp Genetics (formerly Invitae), Labcorp
Classification: Likely benign. Last evaluated: 2025-09-03. Review status: criteria provided, single submitter. Criteria: Invitae Variant Classification Sherloc (09022015). Collection method: clinical testing. Allele origin: germline.

Blueprint Genetics
Classification: Likely benign. Last evaluated: 2024-10-10. Review status: criteria provided, single submitter. Criteria: ACMG Guidelines, 2015. Collection method: clinical testing. Allele origin: germline.

Fulgent Genetics
Classification: Likely benign for Autosomal recessive nonsyndromic hearing loss 48. Last evaluated: 2021-07-15. Review status: criteria provided, single submitter. Criteria: ACMG Guidelines, 2015. Collection method: clinical testing. Allele origin: unknown.

Revvity Omics, Revvity
Classification: Uncertain significance. Last evaluated: 2020-02-02. Review status: criteria provided, single submitter. Criteria: ACMG Guidelines, 2015. Collection method: clinical testing. Allele origin: germline.

Laboratory for Molecular Medicine, Mass General Brigham Personalized Medicine
Classification: Likely benign. Last evaluated: 2018-06-27. Review status: criteria provided, single submitter. Criteria: LMM Criteria. Collection method: clinical testing. Allele origin: germline. Observed: 1 variant allele.
Comment: The p.Arg104Gln variant in CIB2 is classified as likely benign because it has be en identified in 0.30% (78/25780) of Finnish chromosomes by the Genome Aggregati on Database (gnomAD). ACMG/AMP Criteria applie d: BS1.

NM_006383.4(CIB2):c.311G>A (p.Arg104Gln)

Gene: CIB2 (calcium and integrin binding family member 2; minus strand). Cytogenetic location: 15q25.1.
Variant type: single nucleotide variant.
Coding change: c.311G>A on transcript NM_006383.4 (MANE Select); coding-DNA position 311, G replaced by A.
Protein change: p.Arg104Gln; replaces arginine 104 with glutamine.
Molecular consequence: missense variant. On other transcripts: non-coding transcript variant (1).
Genome position (GRCh38, 1-based): chr15:78,109,270, C>T on the plus strand (G>A on the coding strand, the complement: CIB2 is on the minus strand). VCF-style: chr15-78109270-C-T. GRCh37 (hg19) VCF-style: chr15-78401612-C-T.
Other names: c.182G>A, p.Arg61Gln (NM_001271888.2); c.164G>A, p.Arg55Gln (NM_001271889.2); c.326G>A, p.Arg109Gln (NM_001301224.2); short protein forms R104Q, R55Q, R61Q, R109Q.
Identifiers: ClinVar variation 666673 (VCV000666673.19), dbSNP rs200697103, ClinGen allele CA7680235.